The following is an entry in ClinVar:

NM_000135.4(FANCA):c.3362C>A (p.Ser1121Tyr)

Gene: FANCA (FA complementation group A; minus strand). Cytogenetic location: 16q24.3.
Variant type: single nucleotide variant.
Coding change: c.3362C>A on transcript NM_000135.4 (MANE Select); coding-DNA position 3362, C replaced by A.
Protein change: p.Ser1121Tyr; replaces serine 1121 with tyrosine.
Molecular consequence: missense variant.
Genome position (GRCh38, 1-based): chr16:89,746,877, G>T on the plus strand (C>A on the coding strand, the complement: FANCA is on the minus strand). VCF-style: chr16-89746877-G-T. GRCh37 (hg19) VCF-style: chr16-89813285-G-T.
Other names: c.3362C>A, p.Ser1121Tyr (NM_001286167.3); short protein forms S1121Y.
Identifiers: ClinVar variation 4022263 (VCV004022263.1).

ClinVar aggregate classification (germline): Uncertain significance (1 of 4 stars; one submission).

Conditions:
Inborn genetic diseases. Identifiers: MedGen C0950123, MeSH D030342.

Submission:

Ambry Genetics
Classification: Uncertain significance for Inborn genetic diseases. Last evaluated: 2025-05-11. Review status: criteria provided, single submitter. Criteria: Ambry Variant Classification Scheme 2023. Collection method: clinical testing. Allele origin: germline.
Comment: The p.S1121Y variant (also known as c.3362C>A), located in coding exon 34 of the FANCA gene, results from a C to A substitution at nucleotide position 3362. The serine at codon 1121 is replaced by tyrosine, an amino acid with dissimilar properties. This amino acid position is conserved. In addition, the in silico prediction for this alteration is inconclusive. Based on the available evidence, the clinical significance of this variant remains unclear.